The following is an entry in ClinVar:

NM_006265.3(RAD21):c.1608_1613del (p.Asp536_Glu537del)

Gene: RAD21 (RAD21 cohesin complex component; minus strand). Cytogenetic location: 8q24.11.
Variant type: Deletion.
Coding change: c.1608_1613del on transcript NM_006265.3 (MANE Select); coding-DNA positions 1608 to 1613, 6 bases deleted (TGAAGA; older notation c.1608_1613delTGAAGA).
Protein change: p.Asp536_Glu537del.
Molecular consequence: inframe deletion. On other transcripts: inframe indel (1).
Genome position (GRCh38, 1-based): chr8:116,850,625-116,850,630, TCTTCA deleted on the plus strand (TGAAGA on the coding strand, the reverse complement: RAD21 is on the minus strand); deleting any 6 consecutive bases within chr8:116,850,625-116,850,632 gives the same sequence; the c. name uses the placement nearest the transcript's 3' end. VCF-style (leftmost placement, unchanged base first): chr8-116850624-CTCTTCA-C. GRCh37 (hg19) VCF-style: chr8-117862863-CTCTTCA-C.
Other names: c.1608_1613del (NM_006265.2); c.1606_1611delGATGAA, p.Asp536_Glu537del (NM_006265.2).
Identifiers: ClinVar variation 2719541 (VCV002719541.4), dbSNP rs2537287584, ClinGen allele CA2697550111.

ClinVar aggregate classification (germline): Uncertain significance. Review status: criteria provided, multiple submitters, no conflicts (2 of 4 stars). 2 submissions from 2 submitters: Uncertain significance (2). Last evaluated 2025-10-13.

Conditions:
Cornelia de Lange syndrome 4 (CDLS4). Also called: CORNELIA DE LANGE SYNDROME 4 WITH OR WITHOUT MIDLINE BRAIN DEFECTS; RAD21-Related Cornelia de Lange Syndrome. Identifiers: Orphanet 199, MedGen C3553517, MONDO:0013864, OMIM 614701.

Submissions (2):

Labcorp Genetics (formerly Invitae), Labcorp
Classification: Uncertain significance for Cornelia de Lange syndrome 4. Last evaluated: 2025-10-13. Review status: criteria provided, single submitter. Criteria: Invitae Variant Classification Sherloc (09022015). Collection method: clinical testing. Allele origin: germline.
Comment: This variant, c.1608_1613del, results in the deletion of 2 amino acid(s) of the RAD21 protein (p.Asp536_Glu537del), but otherwise preserves the integrity of the reading frame. This variant is not present in population databases (gnomAD no frequency). This variant has not been reported in the literature in individuals affected with RAD21-related conditions. ClinVar contains an entry for this variant (Variation ID: 2719541). Experimental studies and prediction algorithms are not available or were not evaluated, and the functional significance of this variant is currently unknown. In summary, the available evidence is currently insufficient to determine the role of this variant in disease. Therefore, it has been classified as a Variant of Uncertain Significance.

GeneDx
Classification: Uncertain significance. Last evaluated: 2023-12-06. Review status: criteria provided, single submitter. Criteria: GeneDx Variant Classification Process June 2021. Collection method: clinical testing. Allele origin: germline. Affected: yes.
Comment: Not observed at significant frequency in large population cohorts (gnomAD); In-frame deletion of 2 amino acids in a non-repeat region; In silico analysis supports a deleterious effect on protein structure/function; Has not been previously published as pathogenic or benign to our knowledge